The following is an entry in ClinVar:

ClinVar aggregate classification (germline): Pathogenic. Review status: reviewed by expert panel (3 of 4 stars). 6 submissions from 6 submitters: Pathogenic (1). 5 of the submissions do not count toward it. Last evaluated 2026-02-24.

Conditions:
ABCA4-related retinopathy. Also called: ABCA4-related retinoapthy; ABCA4 retinoapthy. Identifiers: MedGen CN322612, MONDO:0800406.
ABCA4-related disorder. Also called: ABCA4-related disorders; ABCA4-related condition. Identifiers: MedGen CN239167.
Retinal dystrophy. Also called: Inherited retinal dystrophy. Identifiers: Orphanet 71862, MedGen C0854723, MeSH D058499, MONDO:0019118, HP:0000556.

Submissions (6):

ClinGen ABCA4 Variant Curation Expert Panel, Clingen
Classification: Pathogenic for ABCA4-related retinopathy. Last evaluated: 2026-02-24. Review status: reviewed by expert panel. Criteria: ClinGen ABCA4 ACMG Specifications V1.0.0. Collection method: curation. Allele origin: germline. Inheritance: Autosomal recessive inheritance.
Comment: The NM_000350.3:c.6601_6602del (p.Arg2201AlafsTer) variant in ABCA4 is a frameshift variant predicted to cause a premature stop codon in biologically relevant exon 48/50 leading to nonsense mediated decay in a gene in which loss-of-function is an established disease mechanism (PVS1). The total minor allele frequency in gnomAD v4.1.0 is 0.0000006196 (1/1614010 alleles), which is lower than the ClinGen ABCA4 VCEP’s threshold for PM2_Supporting (<0.0001). The prevalence of the variant in affected individuals is significantly increased compared with the prevalence in controls. The OR is infinity and the CI is 2.24-infinity, which is above the ABCA4 VCEP threshold of ≥5, where the CI does not contain 1 (PS4; PMID: 35120629). In summary, this variant meets the criteria to be classified as pathogenic for ABCA4-related retinopathy based on the ACMG/AMP criteria applied, as specified by the ClinGen ABCA4 VCEP (Specification Version 1.0.0): PVS1, PS4, PM2_Supporting.

Labcorp Genetics (formerly Invitae), Labcorp
Classification: Pathogenic. Last evaluated: 2022-10-17. Review status: criteria provided, single submitter. Criteria: Invitae Variant Classification Sherloc (09022015). Collection method: clinical testing. Allele origin: germline. Not counted in ClinVar's aggregate classification.
Comment: This sequence change creates a premature translational stop signal (p.Arg2201Alafs*49) in the ABCA4 gene. It is expected to result in an absent or disrupted protein product. Loss-of-function variants in ABCA4 are known to be pathogenic (PMID: 10958761, 24938718, 25312043, 26780318). For these reasons, this variant has been classified as Pathogenic. ClinVar contains an entry for this variant (Variation ID: 99472). This variant is also known as Glu2200del2 aggGA. This premature translational stop signal has been observed in individual(s) with retinitis pigmentosa (PMID: 20647261). This variant is not present in population databases (gnomAD no frequency).

Institute of Human Genetics, Univ. Regensburg, Univ. Regensburg
Classification: Pathogenic for Retinal dystrophy. Last evaluated: 2021-01-01. Review status: criteria provided, single submitter. Criteria: ACMG Guidelines, 2015. Collection method: clinical testing. Allele origin: germline. Affected: yes. Not counted in ClinVar's aggregate classification.

Blueprint Genetics
Classification: Likely pathogenic for ABCA4-related disorders. Last evaluated: 2019-12-13. Review status: criteria provided, single submitter. Criteria: ACMG Guidelines, 2015. Collection method: clinical testing. Allele origin: germline. Affected: yes. Observed: 2 variant alleles. Not counted in ClinVar's aggregate classification.

GeneDx
Classification: Pathogenic. Last evaluated: 2017-07-10. Review status: criteria provided, single submitter. Criteria: GeneDx Variant Classification (06012015). Collection method: clinical testing. Allele origin: germline. Affected: yes. Not counted in ClinVar's aggregate classification.
Comment: This variant causes a frameshift starting with codon Arginine 2201, changes this amino acid to an Alanine residue, and creates a premature Stop codon at position 49 of the new reading frame, denoted p.Arg2201AlafsX49. The c.6601_6602delAG variant is predicted to cause loss of normal protein function either through protein truncation or nonsense-mediated mRNA decay. This variant is not observed in large population cohorts (Lek et al., 2016; 1000 Genomes Consortium et al., 2015; Exome Variant Server). We interpret c.6601_6602delAG as a pathogenic variant.

Retina International
No classification provided. Review status: no classification provided. Collection method: not provided. Allele origin: not provided. Not counted in ClinVar's aggregate classification.

Literature cited by the submitters: PubMed 10958761 (cited by Labcorp Genetics (formerly Invitae), Labcorp and Institute of Human Genetics, Univ. Regensburg, Univ. Regensburg); PubMed 24938718 (cited by Labcorp Genetics (formerly Invitae), Labcorp); PubMed 25312043 (cited by Labcorp Genetics (formerly Invitae), Labcorp); PubMed 26780318 (cited by Labcorp Genetics (formerly Invitae), Labcorp); PubMed 20647261 (cited by Labcorp Genetics (formerly Invitae), Labcorp and Institute of Human Genetics, Univ. Regensburg, Univ. Regensburg); PubMed 31980526 (cited by Institute of Human Genetics, Univ. Regensburg, Univ. Regensburg); PubMed 32307445 (cited by Institute of Human Genetics, Univ. Regensburg, Univ. Regensburg).

NM_000350.3(ABCA4):c.6601_6602del (p.Arg2201fs)

Gene: ABCA4 (ATP binding cassette subfamily A member 4; minus strand). Cytogenetic location: 1p22.1.
Variant type: Microsatellite.
Coding change: c.6601_6602del on transcript NM_000350.3 (MANE Select); coding-DNA positions 6601 to 6602, 2 bases deleted (AG; older notation c.6601_6602delAG).
Protein change: p.Arg2201fs; shifts the reading frame from arginine 2201.
Molecular consequence: frameshift variant.
Genome position (GRCh38, 1-based): chr1:93,997,988-93,997,989, CT deleted on the plus strand (AG on the coding strand, the reverse complement: ABCA4 is on the minus strand); deleting any 2 consecutive bases within chr1:93,997,988-93,997,992 gives the same sequence; the c. name uses the placement nearest the transcript's 3' end. VCF-style (leftmost placement, unchanged base first): chr1-93997987-CCT-C. GRCh37 (hg19) VCF-style: chr1-94463543-CCT-C.
Other names: NM_000350.3(ABCA4):c.6601_6602del; p.Arg2201fs; c.6376_6377GA[1], p.Arg2127Alafs (NM_001425324.1); short protein forms R2201fs.
Identifiers: ClinVar variation 99472 (VCV000099472.13), dbSNP rs61751409, ClinGen allele CA227421.